The following is an entry in ClinVar:

NM_003597.5(KLF11):c.358A>G (p.Arg120Gly)

Gene: KLF11 (KLF transcription factor 11; plus strand). Cytogenetic location: 2p25.1.
Variant type: single nucleotide variant.
Coding change: c.358A>G on transcript NM_003597.5 (MANE Select); coding-DNA position 358, A replaced by G.
Protein change: p.Arg120Gly; replaces arginine 120 with glycine.
Molecular consequence: missense variant.
Genome position (GRCh38, 1-based): chr2:10,047,695, A>G. VCF-style: chr2-10047695-A-G. GRCh37 (hg19) VCF-style: chr2-10187822-A-G.
Other names: c.307A>G, p.Arg103Gly (NM_001177716.2, NM_001177718.2); short protein forms R120G, R103G.
Identifiers: ClinVar variation 330626 (VCV000330626.7), dbSNP rs201792575, ClinGen allele CA1525497.
Genomic context (GRCh38, chr2:10,047,695, plus strand): 5'-TACTTTTTTTTTTAGTGCATAACTCCTCCTCAGAGCCCTGATCTCGTGGAGCCATCGACA[A>G]GGACACCTGTTTCTCCCCAAGTAACAGATTCCAAAGCATGTACAGCCACGGATGTTCTCC-3'
Protein context (NP_003588.1, residues 110-130): QSPDLVEPST[Arg120Gly]TPVSPQVTDS

ClinVar aggregate classification (germline): Uncertain significance. Review status: criteria provided, multiple submitters, no conflicts (2 of 4 stars). 3 submissions from 3 submitters: Uncertain significance (3). Last evaluated 2025-11-11.

Conditions:
Maturity-onset diabetes of the young type 7 (MODY7). Identifiers: Orphanet 552, MedGen C1864839, MONDO:0012513, OMIM 610508.

Allele frequency attached by ClinVar (database versions not stated): ExAC 0.00007; ESP Exome Variant Server 0.00008; gnomAD 0.00009 and 0.00011; gnomAD exomes 0.00009; TOPMed 0.00022.
gnomAD v4.1: 225 of 1,613,468 alleles (0.014%); highest among the groups gnomAD compares: Admixed American, 0.023%; no homozygotes.

Submissions (3):

Labcorp Genetics (formerly Invitae), Labcorp
Classification: Uncertain significance. Last evaluated: 2025-11-11. Review status: criteria provided, single submitter. Criteria: Invitae Variant Classification Sherloc (09022015). Collection method: clinical testing. Allele origin: germline.
Comment: This sequence change replaces arginine, which is basic and polar, with glycine, which is neutral and non-polar, at codon 120 of the KLF11 protein (p.Arg120Gly). This variant is present in population databases (rs201792575, gnomAD 0.02%). This variant has not been reported in the literature in individuals affected with KLF11-related conditions. ClinVar contains an entry for this variant (Variation ID: 330626). An algorithm developed to predict the effect of missense changes on protein structure and function outputs the following: PolyPhen-2: "Benign". The glycine amino acid residue is found in multiple mammalian species, which suggests that this missense change does not adversely affect protein function. In summary, the available evidence is currently insufficient to determine the role of this variant in disease. Therefore, it has been classified as a Variant of Uncertain Significance.

Fulgent Genetics
Classification: Uncertain significance for Maturity-onset diabetes of the young type 7. Last evaluated: 2022-05-04. Review status: criteria provided, single submitter. Criteria: ACMG Guidelines, 2015. Collection method: clinical testing. Allele origin: unknown.

Illumina Laboratory Services, Illumina
Classification: Uncertain significance for Maturity-onset diabetes of the young type 7. Last evaluated: 2018-01-12. Review status: criteria provided, single submitter. Criteria: ICSL Variant Classification Criteria 13 December 2019. Collection method: clinical testing. Allele origin: germline.